The following is an entry in ClinVar:

NM_173630.4(RTTN):c.1652A>T (p.Glu551Val)

Gene: RTTN (rotatin; minus strand). Cytogenetic location: 18q22.2.
Variant type: single nucleotide variant.
Coding change: c.1652A>T on transcript NM_173630.4 (MANE Select); coding-DNA position 1652, A replaced by T.
Protein change: p.Glu551Val; replaces glutamic acid 551 with valine.
Molecular consequence: missense variant. On other transcripts: 5 prime UTR variant (1).
Genome position (GRCh38, 1-based): chr18:70,168,892, T>A on the plus strand (A>T on the coding strand, the complement: RTTN is on the minus strand). VCF-style: chr18-70168892-T-A. GRCh37 (hg19) VCF-style: chr18-67836128-T-A.
Other names: c.-996A>T (NM_001318520.2); short protein forms E551V.
Identifiers: ClinVar variation 2367046 (VCV002367046.6), dbSNP rs373900209, ClinGen allele CA8996124.

ClinVar aggregate classification (germline): Uncertain significance. Review status: criteria provided, multiple submitters, no conflicts (2 of 4 stars). 3 submissions from 3 submitters: Uncertain significance (3). Last evaluated 2024-10-07.

Conditions:
Inborn genetic diseases. Identifiers: MedGen C0950123, MeSH D030342.
Microcephalic primordial dwarfism due to RTTN deficiency (MSSP). Also called: Microcephaly, short stature, and polymicrogyria with or without seizures; MICROCEPHALY, SHORT STATURE, AND POLYMICROGYRIA. Identifiers: Orphanet 468631, MedGen C3553831, MONDO:0018764, OMIM 614833.

Allele frequency attached by ClinVar (database versions not stated): ExAC 0.00002; gnomAD 0.00003; TOPMed 0.00005; ESP Exome Variant Server 0.00009.
gnomAD v4.1: 104 of 1,612,780 alleles (0.0064%); highest among the groups gnomAD compares: Non-Finnish European, 0.0083%; no homozygotes.

Submissions (3):

Labcorp Genetics (formerly Invitae), Labcorp
Classification: Uncertain significance. Last evaluated: 2024-10-07. Review status: criteria provided, single submitter. Criteria: Invitae Variant Classification Sherloc (09022015). Collection method: clinical testing. Allele origin: germline.
Comment: This sequence change replaces glutamic acid, which is acidic and polar, with valine, which is neutral and non-polar, at codon 551 of the RTTN protein (p.Glu551Val). This variant is present in population databases (rs373900209, gnomAD 0.008%). This variant has not been reported in the literature in individuals affected with RTTN-related conditions. ClinVar contains an entry for this variant (Variation ID: 2367046). Invitae Evidence Modeling of protein sequence and biophysical properties (such as structural, functional, and spatial information, amino acid conservation, physicochemical variation, residue mobility, and thermodynamic stability) has been performed for this missense variant. However, the output from this modeling did not meet the statistical confidence thresholds required to predict the impact of this variant on RTTN protein function. In summary, the available evidence is currently insufficient to determine the role of this variant in disease. Therefore, it has been classified as a Variant of Uncertain Significance.

Revvity Omics, Revvity
Classification: Uncertain significance for Microcephalic primordial dwarfism due to RTTN deficiency. Last evaluated: 2021-11-15. Review status: criteria provided, single submitter. Criteria: ACMG Guidelines, 2015. Collection method: clinical testing. Allele origin: germline.

Ambry Genetics
Classification: Uncertain significance for Inborn genetic diseases. Last evaluated: 2020-12-07. Review status: criteria provided, single submitter. Criteria: Ambry Variant Classification Scheme 2023. Collection method: clinical testing. Allele origin: germline.
Comment: The c.1652A>T (p.E551V) alteration is located in exon 12 (coding exon 12) of the RTTN gene. This alteration results from a A to T substitution at nucleotide position 1652, causing the glutamic acid (E) at amino acid position 551 to be replaced by a valine (V). The p.E551V alteration is predicted to be tolerated by in silico analysis. Based on insufficient or conflicting evidence, the clinical significance of this alteration remains unclear.